The following is an entry in ClinVar:

ClinVar aggregate classification (germline): Conflicting classifications of pathogenicity. Review status: criteria provided, conflicting classifications (1 of 4 stars). 4 submissions from 4 submitters: Uncertain significance (3); Likely benign (1). Last evaluated 2026-09-10.

Conditions:
DICER1-related disorder. Also called: DICER1-related condition.
Global developmental delay - lung cysts - overgrowth - Wilms tumor syndrome. Also called: GLOBAL DEVELOPMENTAL DELAY, LUNG CYSTS, OVERGROWTH, AND WILMS TUMOR; GLOW Syndrome. Identifiers: Orphanet 404476, MedGen C4748924, MONDO:0018445, OMIM 618272.
DICER1-related tumor predisposition. Also called: DICER1 syndrome; DICER1-related pleuropulmonary blastoma cancer predisposition syndrome. Identifiers: Orphanet 284343, MedGen C3839822, MONDO:0100216.
Hereditary cancer-predisposing syndrome. Also called: Neoplastic Syndromes, Hereditary; Tumor predisposition; Hereditary Cancer Syndrome; Hereditary neoplastic syndrome. Identifiers: Orphanet 140162, MedGen C0027672, MeSH D009386, MONDO:0015356.

Allele frequency attached by ClinVar (database versions not stated): ExAC 0.00001; gnomAD exomes 0.00001 and 0.00004; TOPMed 0.00002; gnomAD 0.00003 and 0.00004; ESP Exome Variant Server 0.00008.

Submissions (4):

PreventionGenetics, part of Exact Sciences
Classification: Uncertain significance for DICER1-related condition. Last evaluated: 2026-09-10. Review status: criteria provided, single submitter. Criteria: ACMG Guidelines, 2015. Collection method: clinical testing. Allele origin: germline.
Comment: The DICER1 c.5471G>T variant is predicted to result in the amino acid substitution p.Gly1824Val. This variant was reported in an individual with a history of breast cancer (Kim et al. 2019. PubMed ID: 30672147). It is reported in 0.0039% of alleles in individuals of European (Non-Finnish) descent in gnomAD and has conflicting interpretations in ClinVar ranging from likely benign to uncertain (Variation ID: 412057). At this time, the clinical significance of this variant is uncertain due to the absence of conclusive functional and genetic evidence.

Labcorp Genetics (formerly Invitae), Labcorp
Classification: Likely benign for DICER1-related tumor predisposition. Last evaluated: 2026-01-19. Review status: criteria provided, single submitter. Criteria: Invitae Variant Classification Sherloc (09022015). Collection method: clinical testing. Allele origin: germline.

Ambry Genetics
Classification: Uncertain significance for Hereditary cancer-predisposing syndrome. Last evaluated: 2024-09-18. Review status: criteria provided, single submitter. Criteria: Ambry Variant Classification Scheme 2023. Collection method: clinical testing. Allele origin: germline.
Comment: The p.G1824V variant (also known as c.5471G>T), located in coding exon 24 of the DICER1 gene, results from a G to T substitution at nucleotide position 5471. The glycine at codon 1824 is replaced by valine, an amino acid with dissimilar properties. This amino acid position is well conserved in available vertebrate species. In addition, this alteration is predicted to be deleterious by in silico analysis. Based on the available evidence, the clinical significance of this variant remains unclear.

Baylor Genetics
Classification: Uncertain significance for Global developmental delay - lung cysts - overgrowth - Wilms tumor syndrome. Last evaluated: 2024-01-25. Review status: criteria provided, single submitter. Criteria: ACMG Guidelines, 2015. Collection method: clinical testing. Allele origin: unknown.

NM_177438.3(DICER1):c.5471G>T (p.Gly1824Val)

Gene: DICER1 (dicer 1, ribonuclease III; minus strand). Cytogenetic location: 14q32.13.
Variant type: single nucleotide variant.
Coding change: c.5471G>T on transcript NM_177438.3 (MANE Select); coding-DNA position 5471, G replaced by T.
Protein change: p.Gly1824Val; replaces glycine 1824 with valine.
Molecular consequence: missense variant. On other transcripts: intron variant (1).
Genome position (GRCh38, 1-based): chr14:95,091,259, C>A on the plus strand (G>T on the coding strand, the complement: DICER1 is on the minus strand). VCF-style: chr14-95091259-C-A. GRCh37 (hg19) VCF-style: chr14-95557596-C-A.
Other names: c.5471G>T, p.Gly1824Val (NM_001271282.3, NM_001291628.2, NM_030621.4); c.5365-150G>T (NM_001195573.1); short protein forms G1824V.
Identifiers: ClinVar variation 412057 (VCV000412057.21), dbSNP rs377685186, ClinGen allele CA7330660.